The following is an entry in ClinVar:

NM_001003800.2(BICD2):c.1295C>T (p.Pro432Leu)

Gene: BICD2 (BICD cargo adaptor 2; minus strand). Cytogenetic location: 9q22.31.
Variant type: single nucleotide variant.
Coding change: c.1295C>T on transcript NM_001003800.2 (MANE Select); coding-DNA position 1295, C replaced by T.
Protein change: p.Pro432Leu; replaces proline 432 with leucine.
Molecular consequence: missense variant.
Genome position (GRCh38, 1-based): chr9:92,719,350, G>A on the plus strand (C>T on the coding strand, the complement: BICD2 is on the minus strand). VCF-style: chr9-92719350-G-A. GRCh37 (hg19) VCF-style: chr9-95481632-G-A.
Other names: c.1295C>T, p.Pro432Leu (NM_015250.4); short protein forms P432L.
Identifiers: ClinVar variation 2769125 (VCV002769125.3), dbSNP rs2490446857, ClinGen allele CA374039037.

ClinVar aggregate classification (germline): Uncertain significance (1 of 4 stars; one submission).

Conditions:
Autosomal dominant childhood-onset proximal spinal muscular atrophy with contractures (SMALED2A). Also called: Spinal muscular atrophy, lower extremity-predominant, 2A, autosomal dominant; SPINAL MUSCULAR ATROPHY, LOWER EXTREMITY-PREDOMINANT, 2A, CHILDHOOD ONSET, AUTOSOMAL DOMINANT. Identifiers: Orphanet 363447, Orphanet 363454, MedGen C4747715, MONDO:0014121, OMIM 615290.

Allele frequency attached by ClinVar (database versions not stated): gnomAD exomes below 0.00001.
gnomAD v4.1: 1 of 1,614,216 alleles (0.000062%); highest among the groups gnomAD compares: Non-Finnish European, 0.000085%; no homozygotes.

Submission:

Labcorp Genetics (formerly Invitae), Labcorp
Classification: Uncertain significance for Autosomal dominant childhood-onset proximal spinal muscular atrophy with contractures. Last evaluated: 2023-10-16. Review status: criteria provided, single submitter. Criteria: Invitae Variant Classification Sherloc (09022015). Collection method: clinical testing. Allele origin: germline.
Comment: This sequence change replaces proline, which is neutral and non-polar, with leucine, which is neutral and non-polar, at codon 432 of the BICD2 protein (p.Pro432Leu). This variant is not present in population databases (gnomAD no frequency). This variant has not been reported in the literature in individuals affected with BICD2-related conditions. Advanced modeling of protein sequence and biophysical properties (such as structural, functional, and spatial information, amino acid conservation, physicochemical variation, residue mobility, and thermodynamic stability) performed at Invitae indicates that this missense variant is not expected to disrupt BICD2 protein function. In summary, the available evidence is currently insufficient to determine the role of this variant in disease. Therefore, it has been classified as a Variant of Uncertain Significance.